The following is an entry in ClinVar:

ClinVar aggregate classification (germline): Uncertain significance (1 of 4 stars; one submission).

Submission:

GeneDx
Classification: Uncertain significance. Last evaluated: 2025-08-05. Review status: criteria provided, single submitter. Criteria: GeneDx Variant Classification Process June 2021. Collection method: clinical testing. Allele origin: germline. Affected: yes.
Comment: Not observed at significant frequency in large population cohorts (gnomAD); In silico analysis suggests that this missense variant does not alter protein structure/function; Has not been previously published as pathogenic or benign to our knowledge

NM_030912.3(TRIM8):c.311A>C (p.Gln104Pro)

Gene: TRIM8 (tripartite motif containing 8; plus strand). Cytogenetic location: 10q24.32.
Variant type: single nucleotide variant.
Coding change: c.311A>C on transcript NM_030912.3 (MANE Select); coding-DNA position 311, A replaced by C.
Protein change: p.Gln104Pro; replaces glutamine 104 with proline.
Molecular consequence: missense variant. On other transcripts: non-coding transcript variant (1).
Genome position (GRCh38, 1-based): chr10:102,644,928, A>C. VCF-style: chr10-102644928-A-C. GRCh37 (hg19) VCF-style: chr10-104404685-A-C.
Other names: c.311A>C, p.Gln104Pro (NM_001345950.1); short protein forms Q104P.
Identifiers: ClinVar variation 4755722 (VCV004755722.1).